The following is an entry in ClinVar:

ClinVar aggregate classification (germline): Uncertain significance (1 of 4 stars; one submission).

gnomAD v4.1: 2 of 1,607,324 alleles (0.00012%); highest among the groups gnomAD compares: Admixed American, 0.0034%; no homozygotes.

Submission:

Labcorp Genetics (formerly Invitae), Labcorp
Classification: Uncertain significance. Last evaluated: 2025-08-06. Review status: criteria provided, single submitter. Criteria: Invitae Variant Classification Sherloc (09022015). Collection method: clinical testing. Allele origin: germline.
Comment: This sequence change replaces glutamic acid, which is acidic and polar, with glutamine, which is neutral and polar, at codon 94 of the ZNF408 protein (p.Glu94Gln). This variant is present in population databases (no rsID available, gnomAD 0.006%). This variant has not been reported in the literature in individuals affected with ZNF408-related conditions. An algorithm developed to predict the effect of missense changes on protein structure and function (PolyPhen-2) suggests that this variant is likely to be tolerated. In summary, the available evidence is currently insufficient to determine the role of this variant in disease. Therefore, it has been classified as a Variant of Uncertain Significance.

NM_024741.3(ZNF408):c.280G>C (p.Glu94Gln)

Gene: ZNF408 (zinc finger protein 408; plus strand). Cytogenetic location: 11p11.2.
Variant type: single nucleotide variant.
Coding change: c.280G>C on transcript NM_024741.3 (MANE Select); coding-DNA position 280, G replaced by C.
Protein change: p.Glu94Gln; replaces glutamic acid 94 with glutamine.
Molecular consequence: missense variant.
Genome position (GRCh38, 1-based): chr11:46,701,626, G>C. VCF-style: chr11-46701626-G-C. GRCh37 (hg19) VCF-style: chr11-46723176-G-C.
Other names: c.256G>C, p.Glu86Gln (NM_001184751.2); short protein forms E94Q, E86Q.
Identifiers: ClinVar variation 4739399 (VCV004739399.1).